The following is an entry in ClinVar:

NM_198578.4(LRRK2):c.3020G>A (p.Ser1007Asn)

Gene: LRRK2 (leucine rich repeat kinase 2; plus strand). Cytogenetic location: 12q12.
Variant type: single nucleotide variant.
Coding change: c.3020G>A on transcript NM_198578.4 (MANE Select); coding-DNA position 3020, G replaced by A.
Protein change: p.Ser1007Asn; replaces serine 1007 with asparagine.
Molecular consequence: missense variant.
Genome position (GRCh38, 1-based): chr12:40,295,568, G>A. VCF-style: chr12-40295568-G-A. GRCh37 (hg19) VCF-style: chr12-40689370-G-A.
Other names: short protein forms S1007N.
Identifiers: ClinVar variation 2453025 (VCV002453025.2), dbSNP rs899561250, ClinGen allele CA384412866.

ClinVar aggregate classification (germline): Uncertain significance (1 of 4 stars; one submission).

Conditions:
Inborn genetic diseases. Identifiers: MedGen C0950123, MeSH D030342.

gnomAD v4.1: 1 of 1,614,012 alleles (0.000062%); highest among the groups gnomAD compares: East Asian, 0.0022%; no homozygotes.

Submission:

Ambry Genetics
Classification: Uncertain significance for Inborn genetic diseases. Last evaluated: 2022-11-25. Review status: criteria provided, single submitter. Criteria: Ambry Variant Classification Scheme 2023. Collection method: clinical testing. Allele origin: germline.
Comment: The p.S1007N variant (also known as c.3020G>A), located in coding exon 23 of the LRRK2 gene, results from a G to A substitution at nucleotide position 3020. The serine at codon 1007 is replaced by asparagine, an amino acid with highly similar properties. This amino acid position is conserved. In addition, this alteration is predicted to be tolerated by in silico analysis. Since supporting evidence is limited at this time, the clinical significance of this alteration remains unclear.